The following is an entry in ClinVar:

NM_000092.5(COL4A4):c.2861G>T (p.Gly954Val)

Gene: COL4A4 (collagen type IV alpha 4 chain; minus strand). Cytogenetic location: 2q36.3.
Variant type: single nucleotide variant.
Coding change: c.2861G>T on transcript NM_000092.5 (MANE Select); coding-DNA position 2861, G replaced by T.
Protein change: p.Gly954Val; replaces glycine 954 with valine.
Molecular consequence: missense variant.
Genome position (GRCh38, 1-based): chr2:227,052,412, C>A on the plus strand (G>T on the coding strand, the complement: COL4A4 is on the minus strand). VCF-style: chr2-227052412-C-A. GRCh37 (hg19) VCF-style: chr2-227917128-C-A.
Other names: short protein forms G954V.
Identifiers: ClinVar variation 3647062 (VCV003647062.2).

ClinVar aggregate classification (germline): Uncertain significance (1 of 4 stars; one submission).

Submission:

Labcorp Genetics (formerly Invitae), Labcorp
Classification: Uncertain significance. Last evaluated: 2024-03-20. Review status: criteria provided, single submitter. Criteria: Invitae Variant Classification Sherloc (09022015). Collection method: clinical testing. Allele origin: germline.
Comment: This sequence change replaces glycine, which is neutral and non-polar, with valine, which is neutral and non-polar, at codon 954 of the COL4A4 protein (p.Gly954Val). This variant is not present in population databases (gnomAD no frequency). This variant has not been reported in the literature in individuals affected with COL4A4-related conditions. Experimental studies and prediction algorithms are not available or were not evaluated, and the functional significance of this variant is currently unknown. Algorithms developed to predict the effect of sequence changes on RNA splicing suggest that this variant may create or strengthen a splice site. In summary, the available evidence is currently insufficient to determine the role of this variant in disease. Therefore, it has been classified as a Variant of Uncertain Significance.